The following is an entry in ClinVar:

NM_001267550.2(TTN):c.583+2T>C

Gene: TTN (titin; minus strand). Cytogenetic location: 2q31.2.
Variant type: single nucleotide variant.
Coding change: c.583+2T>C on transcript NM_001267550.2 (MANE Select); the canonical splice donor site of the intron after coding-DNA position 583, T replaced by C.
Molecular consequence: splice donor variant.
Genome position (GRCh38, 1-based): chr2:178,800,393, A>G on the plus strand (T>C on the coding strand, the complement: TTN is on the minus strand). VCF-style: chr2-178800393-A-G. GRCh37 (hg19) VCF-style: chr2-179665120-A-G.
Other names: c.583+2T>C (NM_003319.4, NM_133437.4, NM_133432.3 and 3 more transcripts).
Identifiers: ClinVar variation 1677941 (VCV001677941.5), dbSNP rs772731855, ClinGen allele CA2006299.

ClinVar aggregate classification (germline): Conflicting classifications of pathogenicity. Review status: criteria provided, conflicting classifications (1 of 4 stars). 3 submissions from 3 submitters: Likely pathogenic (2); Uncertain significance (1). Last evaluated 2026-06-25.

Conditions:
Cardiovascular phenotype. Identifiers: MedGen CN230736.
Autosomal recessive limb-girdle muscular dystrophy type 2J (LGMDR10). Also called: MUSCULAR DYSTROPHY, LIMB-GIRDLE, AUTOSOMAL RECESSIVE 10; Limb-girdle muscular dystrophy, type 2J. Identifiers: Orphanet 140922, MedGen C1837342, MONDO:0012127, OMIM 608807.
Dilated cardiomyopathy 1G (CMD1G). Identifiers: Orphanet 154, MedGen C1858763, MONDO:0011400, OMIM 604145.

Allele frequency attached by ClinVar (database versions not stated): gnomAD exomes below 0.00001; ExAC 0.00001; gnomAD 0.00001.
gnomAD v4.1: 1 of 1,613,934 alleles (0.000062%); highest among the groups gnomAD compares: Non-Finnish European, 0.000085%; no homozygotes.

Submissions (3):

Ambry Genetics
Classification: Uncertain significance for Cardiovascular phenotype. Last evaluated: 2026-06-25. Review status: criteria provided, single submitter. Criteria: Ambry Variant Classification Scheme 2023. Collection method: clinical testing. Allele origin: germline.
Comment: The c.583+2T>C intronic variant results from a T to C substitution two nucleotides after coding exon 3 in the TTN gene. This exon is located in the Z-disk region of the N2-B isoform of the titin protein and is constitutively expressed in TTN transcripts (percent spliced in or PSI 100%). This nucleotide position is well conserved in available vertebrate species. In silico splice site analysis predicts that this alteration may weaken the native splice donor site and may result in the creation or strengthening of a novel splice donor site. This variant disrupts the canonical splice site and is expected to cause aberrant splicing. However, although direct evidence is unavailable, this variant is predicted to result in an in-frame transcript that is not expected to trigger nonsense-mediated mRNA decay. In addition, +2T>C alterations are capable of generating wild-type transcripts in some genomic contexts and should be interpreted with caution (Lin JH et al. Hum Mutat. 2019 10;40:1856-1873). The exact functional effect of the predicted splice impact is unknown. Based on the available evidence, the clinical significance of this alteration remains unclear.

Labcorp Genetics (formerly Invitae), Labcorp
Classification: Likely pathogenic for Dilated cardiomyopathy 1G; Autosomal recessive limb-girdle muscular dystrophy type 2J. Last evaluated: 2024-10-01. Review status: criteria provided, single submitter. Criteria: Invitae Variant Classification Sherloc (09022015). Collection method: clinical testing. Allele origin: germline.
Comment: This sequence change affects a donor splice site in intron 4 of the TTN gene. It is expected to disrupt RNA splicing and likely results in a truncated or disrupted TTN protein. This variant is not present in population databases (gnomAD no frequency). This variant has not been reported in the literature in individuals affected with TTN-related conditions. ClinVar contains an entry for this variant (Variation ID: 1677941). Algorithms developed to predict the effect of sequence changes on RNA splicing suggest that this variant may disrupt the consensus splice site. This variant is located in the Z band of TTN (PMID: 25589632). Truncating variants in this region have been reported in individuals affected with autosomal recessive centronuclear myopathy (PMID: 33449170, internal data). Truncating variants in this region have also been identified in individuals affected with autosomal dominant dilated cardiomyopathy and/or cardio-related conditions (PMID: 27869827, 32964742, internal data). In summary, the currently available evidence indicates that the variant is pathogenic, but additional data are needed to prove that conclusively. Therefore, this variant has been classified as Likely Pathogenic.

AiLife Diagnostics
Classification: Likely pathogenic. Last evaluated: 2022-02-16. Review status: criteria provided, single submitter. Criteria: ACMG Guidelines, 2015. Collection method: clinical testing. Allele origin: germline. Affected: yes. Observed: 1 variant allele.

Literature cited by the submitters: PubMed 25589632 (cited by Labcorp Genetics (formerly Invitae), Labcorp); PubMed 33449170 (cited by Labcorp Genetics (formerly Invitae), Labcorp); PubMed 27869827 (cited by Labcorp Genetics (formerly Invitae), Labcorp); PubMed 32964742 (cited by Labcorp Genetics (formerly Invitae), Labcorp).